The following is an entry in ClinVar:

NM_004269.4(MED27):c.818dup (p.Tyr273Ter)

Gene: MED27 (mediator complex subunit 27; minus strand). Cytogenetic location: 9q34.13.
Variant type: Duplication.
Coding change: c.818dup on transcript NM_004269.4 (MANE Select); coding-DNA position 818, one base duplicated (A; older notation c.818dupA).
Protein change: p.Tyr273Ter; replaces tyrosine 273 with a stop codon.
Molecular consequence: nonsense.
Genome position (GRCh38, 1-based): chr9:131,860,656, T duplicated on the plus strand (A on the coding strand, the reverse complement: MED27 is on the minus strand). VCF-style (leftmost placement, unchanged base first): chr9-131860655-G-GT. GRCh37 (hg19) VCF-style: chr9-134736042-G-GT.
Other names: c.710dup, p.Tyr237Ter (NM_001253881.2); short protein forms Y237*, Y273*.
Identifiers: ClinVar variation 2405004 (VCV002405004.3), dbSNP rs772302001, ClinGen allele CA5295518.

ClinVar aggregate classification (germline): Conflicting classifications of pathogenicity. Review status: criteria provided, conflicting classifications (1 of 4 stars). 2 submissions from 2 submitters: Likely pathogenic (1); Uncertain significance (1). Last evaluated 2024-08-06.

Conditions:
Neurodevelopmental disorder with spasticity, cataracts, and cerebellar hypoplasia. Also called: NEURODEVELOPMENTAL DISORDER WITH SPASTICITY, CATARACTS, AND CEREBELLAR ATROPHY. Identifiers: MedGen C5543306, MONDO:0859137, OMIM 619286.
Inborn genetic diseases. Identifiers: MedGen C0950123, MeSH D030342.

Allele frequency attached by ClinVar (database versions not stated): TOPMed 0.00001; gnomAD exomes below 0.00001; ExAC 0.00001.

Submissions (2):

3billion
Classification: Likely pathogenic for Neurodevelopmental disorder with spasticity, cataracts, and cerebellar hypoplasia. Last evaluated: 2024-08-06. Review status: criteria provided, single submitter. Criteria: ACMG Guidelines, 2015. Collection method: clinical testing. Allele origin: germline. Affected: yes.
Comment: The variant is observed at an extremely low frequency in the gnomAD v4.0.0 dataset (total allele frequency: <0.001%). Predicted Consequence/Location: Stop-gained (nonsense): predicted to result in a loss or disruption of normal protein function through protein truncation. The predicted truncated protein may be shortened by more than 10%. The variant has been reported as of uncertain significance (ClinVar ID: VCV002405004). Therefore, this variant is classified as Likely pathogenic according to the recommendation of ACMG/AMP guideline.

Ambry Genetics
Classification: Uncertain significance for Inborn genetic diseases. Last evaluated: 2021-09-13. Review status: criteria provided, single submitter. Criteria: Ambry Variant Classification Scheme 2023. Collection method: clinical testing. Allele origin: germline.
Comment: The c.818dupA (p.Y273*) alteration, located in exon 8 (coding exon 8) of the MED27 gene, consists of a duplication of A at position 818, causing a translational frameshift with a predicted alternate stop codon after amino acids. Frameshift alterations are typically deleterious in nature (Richards, 2015). Based on insufficient or conflicting evidence, the clinical significance of this alteration remains unclear.